The following is an entry in ClinVar:

ClinVar aggregate classification (germline): Uncertain significance. Review status: criteria provided, multiple submitters, no conflicts (2 of 4 stars). 2 submissions from 2 submitters: Uncertain significance (2). Last evaluated 2024-10-29.

Conditions:
Inborn genetic diseases. Identifiers: MedGen C0950123, MeSH D030342.

gnomAD v4.1: 133 of 1,550,126 alleles (0.0086%); highest among the groups gnomAD compares: Non-Finnish European, 0.011%; no homozygotes.

Submissions (2):

GeneDx
Classification: Uncertain significance. Last evaluated: 2024-10-29. Review status: criteria provided, single submitter. Criteria: GeneDx Variant Classification Process June 2021. Collection method: clinical testing. Allele origin: germline. Affected: yes.
Comment: In silico analysis supports that this missense variant has a deleterious effect on protein structure/function; Has not been previously published as pathogenic or benign to our knowledge

Ambry Genetics
Classification: Uncertain significance for Inborn genetic diseases. Last evaluated: 2024-06-26. Review status: criteria provided, single submitter. Criteria: Ambry Variant Classification Scheme 2023. Collection method: clinical testing. Allele origin: germline.

NM_001142864.4(PIEZO1):c.5339A>T (p.Asp1780Val)

Gene: PIEZO1 (piezo type mechanosensitive ion channel component 1 (Er blood group); minus strand). Cytogenetic location: 16q24.3.
Variant type: single nucleotide variant.
Coding change: c.5339A>T on transcript NM_001142864.4 (MANE Select); coding-DNA position 5339, A replaced by T.
Protein change: p.Asp1780Val; replaces aspartic acid 1780 with valine.
Molecular consequence: missense variant.
Genome position (GRCh38, 1-based): chr16:88,721,602, T>A on the plus strand (A>T on the coding strand, the complement: PIEZO1 is on the minus strand). VCF-style: chr16-88721602-T-A. GRCh37 (hg19) VCF-style: chr16-88788010-T-A.
Other names: short protein forms D1780V.
Identifiers: ClinVar variation 3418187 (VCV003418187.2).
Genomic context (GRCh38, chr16:88,721,602, plus strand): 5'-AGCTGGGAGCGGTGGAAGAAAAGGGCCATGAGCTGCACCAGGTCGTACTTGATGTAGCCG[T>A]CAGTCTTCTCCAGGCCCAGGATGCGGGGCGGGAAGTAGGGCTTGTTCTCGTAGCGCCGCA-3'
Protein context (NP_001136336.2, residues 1770-1790): PPRILGLEKT[Asp1780Val]GYIKYDLVQL